The following is an entry in ClinVar:

ClinVar aggregate classification (germline): Benign. Review status: criteria provided, multiple submitters, no conflicts (2 of 4 stars). 7 submissions from 7 submitters: Benign (7). Last evaluated 2026-01-29.

Conditions:
Imerslund-Grasbeck syndrome type 1 (IGS1). Also called: Megaloblastic anemia 1, Finnish type; MEGALOBLASTIC ANEMIA, 1; Imerslund-Gräsbeck syndrome 1. Identifiers: MedGen C4016819, MONDO:0100156, OMIM 261100.
Imerslund-Grasbeck syndrome. Also called: Megaloblastic anemia due to inborn errors of metabolism; Imerslund-Gräsbeck syndrome; ENTEROCYTE COBALAMIN MALABSORPTION; ENTEROCYTE INTRINSIC FACTOR RECEPTOR, DEFECT OF; PERNICIOUS ANEMIA, JUVENILE, DUE TO SELECTIVE INTESTINAL MALABSORPTION OF VITAMIN B12, WITH PROTEINURIA. Identifiers: Orphanet 35858, MedGen C4551825, MONDO:0009853.

Allele frequency attached by ClinVar (database versions not stated): gnomAD exomes 0.01063 and 0.01725; TOPMed 0.00994; 1000 Genomes Project 30x 0.03201; gnomAD 0.00803 and 0.01079; ESP Exome Variant Server 0.00715; ExAC 0.01841; 1000 Genomes Project 0.03375.
gnomAD v4.1: 17,403 of 1,613,874 alleles (1.1%); highest among the groups gnomAD compares: South Asian, 7.7%; 473 homozygotes.

Submissions (9):

Labcorp Genetics (formerly Invitae), Labcorp
Classification: Benign for Imerslund-Grasbeck syndrome. Last evaluated: 2026-01-29. Review status: criteria provided, single submitter. Criteria: Invitae Variant Classification Sherloc (09022015). Collection method: clinical testing. Allele origin: germline.

Mayo Clinic Laboratories, Mayo Clinic
Classification: Benign. Last evaluated: 2024-09-12. Review status: criteria provided, single submitter. Criteria: ACMG Guidelines, 2015. Collection method: clinical testing. Allele origin: germline. Observed: 7 variant alleles.
Comment: BA1, BS2

ARUP Laboratories, Molecular Genetics and Genomics, ARUP Laboratories
Classification: Benign. Last evaluated: 2023-11-02. Review status: criteria provided, single submitter. Criteria: ARUP Molecular Germline Variant Investigation Process 2024. Collection method: clinical testing. Allele origin: germline.

Genome-Nilou Lab
Classification: Benign for Imerslund-Grasbeck syndrome type 1. Last evaluated: 2021-07-30. Review status: criteria provided, single submitter. Criteria: ACMG Guidelines, 2015. Collection method: clinical testing. Allele origin: germline. Affected: no.

GeneDx
Classification: Benign. Last evaluated: 2019-08-22. Review status: criteria provided, single submitter. Criteria: GeneDx Variant Classification Process June 2021. Collection method: clinical testing. Allele origin: germline. Affected: yes.
Comment: This variant is associated with the following publications: (PMID: 30626930)

Illumina Laboratory Services, Illumina
Classification: Benign for Imerslund-Grasbeck syndrome type 1. Last evaluated: 2018-01-12. Review status: criteria provided, single submitter. Criteria: ICSL Variant Classification Criteria 13 December 2019. Collection method: clinical testing. Allele origin: germline.
Comment: This variant was observed in the ICSL laboratory as part of a predisposition screen in an ostensibly healthy population. It had not been previously curated by ICSL or reported in the Human Gene Mutation Database (HGMD: prior to June 1st, 2018), and was therefore a candidate for classification through an automated scoring system. Utilizing variant allele frequency, disease prevalence and penetrance estimates, and inheritance mode, an automated score was calculated to assess if this variant is too frequent to cause the disease. Based on the score and internal cut-off values, a variant classified as benign is not then subjected to further curation. The score for this variant resulted in a classification of benign for this disease.

Breakthrough Genomics
Classification: Benign. Review status: criteria provided, single submitter. Criteria: ACMG Guidelines, 2015. Collection method: not provided. Allele origin: germline. Inheritance: Autosomal recessive inheritance. Affected: yes.

Dr. Peter K. Rogan Lab, Western University
No classification provided (evidence only). Condition: Thyroid cancer, nonmedullary, 1. Review status: no classification provided. Collection method: in vitro. Allele origin: not applicable. Functional consequence: retained intron. Not counted in ClinVar's aggregate classification.

Dr. Peter K. Rogan Lab, Western University
No classification provided (evidence only). Condition: Ovarian serous cystadenocarcinoma. Review status: no classification provided. Collection method: in vitro. Allele origin: not applicable. Functional consequence: retained intron. Not counted in ClinVar's aggregate classification.

NM_001081.4(CUBN):c.6788T>G (p.Phe2263Cys)

Gene: CUBN (cubilin; minus strand). Cytogenetic location: 10p13.
Variant type: single nucleotide variant.
Coding change: c.6788T>G on transcript NM_001081.4 (MANE Select); coding-DNA position 6788, T replaced by G.
Protein change: p.Phe2263Cys; replaces phenylalanine 2263 with cysteine.
Molecular consequence: missense variant.
Genome position (GRCh38, 1-based): chr10:16,919,996, A>C on the plus strand (T>G on the coding strand, the complement: CUBN is on the minus strand). VCF-style: chr10-16919996-A-C. GRCh37 (hg19) VCF-style: chr10-16961995-A-C.
Other names: short protein forms F2263C.
Identifiers: ClinVar variation 299434 (VCV000299434.34), dbSNP rs2271460, ClinGen allele CA5423580.